The following is an entry in ClinVar:

NM_138694.4(PKHD1):c.4678G>T (p.Ala1560Ser)

Genes: PKHD1 (PKHD1 ciliary IPT domain containing fibrocystin/polyductin; minus strand), LOC126859690 (MED14-independent group 3 enhancer GRCh37_chr6:51888848-51890047; plus strand). Cytogenetic location: 6p12.2.
Variant type: single nucleotide variant.
Coding change: c.4678G>T on transcript NM_138694.4 (MANE Select); coding-DNA position 4678, G replaced by T.
Protein change: p.Ala1560Ser; replaces alanine 1560 with serine.
Molecular consequence: missense variant.
Genome position (GRCh38, 1-based): chr6:52,025,132, C>A on the plus strand (G>T on the coding strand, the complement: PKHD1 is on the minus strand). VCF-style: chr6-52025132-C-A. GRCh37 (hg19) VCF-style: chr6-51889930-C-A.
Other names: c.4678G>T, p.Ala1560Ser (NM_170724.3); short protein forms A1560S.
Identifiers: ClinVar variation 3061453 (VCV003061453.2), dbSNP rs2532702556, ClinGen allele CA364431899.

ClinVar aggregate classification (germline): Uncertain significance (0 of 4 stars; one submission).

Conditions:
PKHD1-related disorder. Also called: PKHD1-related condition.

Submission:

PreventionGenetics, part of Exact Sciences
Classification: Uncertain significance for PKHD1-related condition. Last evaluated: 2024-02-15. Review status: no assertion criteria provided. Collection method: clinical testing. Allele origin: germline.
Comment: The PKHD1 c.4678G>T variant is predicted to result in the amino acid substitution p.Ala1560Ser. To our knowledge, this variant has not been reported in the literature or in a large population database, indicating this variant is rare. At this time, the clinical significance of this variant is uncertain due to the absence of conclusive functional and genetic evidence.